The following is an entry in ClinVar:

ClinVar aggregate classification (germline): Uncertain significance (1 of 4 stars; one submission).

Submission:

GeneDx
Classification: Uncertain significance. Last evaluated: 2024-05-10. Review status: criteria provided, single submitter. Criteria: GeneDx Variant Classification Process June 2021. Collection method: clinical testing. Allele origin: germline. Affected: yes.
Comment: Not observed at significant frequency in large population cohorts (gnomAD); In silico analysis supports that this missense variant has a deleterious effect on protein structure/function; Has not been previously published as pathogenic or benign to our knowledge

NM_017534.6(MYH2):c.4873G>A (p.Glu1625Lys)

Genes: MYH2 (myosin heavy chain 2; minus strand), MYHAS (myosin heavy chain gene cluster antisense RNA; plus strand), LOC126862500 (BRD4-independent group 4 enhancer GRCh37_chr17:10427829-10429028; plus strand). Cytogenetic location: 17p13.1.
Variant type: single nucleotide variant.
Coding change: c.4873G>A on transcript NM_017534.6 (MANE Select); coding-DNA position 4873, G replaced by A.
Protein change: p.Glu1625Lys; replaces glutamic acid 1625 with lysine.
Molecular consequence: missense variant.
Genome position (GRCh38, 1-based): chr17:10,524,855, C>T on the plus strand (G>A on the coding strand, the complement: MYH2 is on the minus strand). VCF-style: chr17-10524855-C-T. GRCh37 (hg19) VCF-style: chr17-10428172-C-T.
Other names: c.4873G>A, p.Glu1625Lys (NM_001100112.2); short protein forms E1625K.
Identifiers: ClinVar variation 3375622 (VCV003375622.1).